The following is an entry in ClinVar:

ClinVar aggregate classification (germline): Uncertain significance. Review status: criteria provided, multiple submitters, no conflicts (2 of 4 stars). 2 submissions from 2 submitters: Uncertain significance (2). Last evaluated 2024-02-25.

Conditions:
Hereditary cancer-predisposing syndrome. Also called: Neoplastic Syndromes, Hereditary; Tumor predisposition; Hereditary Cancer Syndrome; Hereditary neoplastic syndrome. Identifiers: Orphanet 140162, MedGen C0027672, MeSH D009386, MONDO:0015356.
BAP1-related tumor predisposition syndrome (TPDS1). Also called: Tumor susceptibility linked to germline BAP1 mutations; COMMON Syndrome; TUMOR PREDISPOSITION SYNDROME 1; BAP1 tumor predisposition syndrome. Identifiers: Orphanet 289539, MedGen C3280492, MONDO:0013692, OMIM 614327.

Allele frequency attached by ClinVar (database versions not stated): gnomAD exomes below 0.00001.
gnomAD v4.1: 1 of 1,613,800 alleles (0.000062%); highest among the groups gnomAD compares: South Asian, 0.0011%; no homozygotes.

Submissions (2):

Ambry Genetics
Classification: Uncertain significance for Hereditary cancer-predisposing syndrome. Last evaluated: 2024-02-25. Review status: criteria provided, single submitter. Criteria: Ambry Variant Classification Scheme 2023. Collection method: clinical testing. Allele origin: germline.
Comment: The p.S489G variant (also known as c.1465A>G), located in coding exon 13 of the BAP1 gene, results from an A to G substitution at nucleotide position 1465. The serine at codon 489 is replaced by glycine, an amino acid with similar properties. This amino acid position is conserved. In addition, the in silico prediction for this alteration is inconclusive. Based on the available evidence, the clinical significance of this alteration remains unclear.

Labcorp Genetics (formerly Invitae), Labcorp
Classification: Uncertain significance for BAP1-related tumor predisposition syndrome. Last evaluated: 2022-12-09. Review status: criteria provided, single submitter. Criteria: Invitae Variant Classification Sherloc (09022015). Collection method: clinical testing. Allele origin: germline.
Comment: In summary, the available evidence is currently insufficient to determine the role of this variant in disease. Therefore, it has been classified as a Variant of Uncertain Significance. Advanced modeling of protein sequence and biophysical properties (such as structural, functional, and spatial information, amino acid conservation, physicochemical variation, residue mobility, and thermodynamic stability) performed at Invitae indicates that this missense variant is not expected to disrupt BAP1 protein function. This variant has not been reported in the literature in individuals affected with BAP1-related conditions. This variant is not present in population databases (gnomAD no frequency). This sequence change replaces serine, which is neutral and polar, with glycine, which is neutral and non-polar, at codon 489 of the BAP1 protein (p.Ser489Gly).

NM_004656.4(BAP1):c.1465A>G (p.Ser489Gly)

Gene: BAP1 (BRCA1 associated deubiquitinase 1; minus strand). Cytogenetic location: 3p21.1.
Variant type: single nucleotide variant.
Coding change: c.1465A>G on transcript NM_004656.4 (MANE Select); coding-DNA position 1465, A replaced by G.
Protein change: p.Ser489Gly; replaces serine 489 with glycine.
Molecular consequence: missense variant.
Genome position (GRCh38, 1-based): chr3:52,403,680, T>C on the plus strand (A>G on the coding strand, the complement: BAP1 is on the minus strand). VCF-style: chr3-52403680-T-C. GRCh37 (hg19) VCF-style: chr3-52437696-T-C.
Other names: c.1411A>G, p.Ser471Gly (NM_001410772.1); short protein forms S489G, S471G.
Identifiers: ClinVar variation 2819588 (VCV002819588.4), dbSNP rs2471328855, ClinGen allele CA353101181.